The following is an entry in ClinVar:

ClinVar aggregate classification (germline): Uncertain significance. Review status: criteria provided, multiple submitters, no conflicts (2 of 4 stars). 3 submissions from 3 submitters: Uncertain significance (3). Last evaluated 2024-03-01.

Conditions:
Charcot-Marie-Tooth disease axonal type 2S. Also called: CHARCOT-MARIE-TOOTH DISEASE, AXONAL, AUTOSOMAL RECESSIVE, TYPE 2S; CHARCOT-MARIE-TOOTH NEUROPATHY, TYPE 2S. Identifiers: Orphanet 443073, MedGen C4015349, MONDO:0014511, OMIM 616155.
Autosomal recessive distal spinal muscular atrophy 1. Also called: HMN VI; NEURONOPATHY, SEVERE INFANTILE AXONAL, WITH RESPIRATORY FAILURE; SEVERE INFANTILE AXONAL NEUROPATHY WITH RESPIRATORY FAILURE; SPINAL MUSCULAR ATROPHY, DIAPHRAGMATIC; Spinal muscular atrophy with respiratory distress 1; NEURONOPATHY, DISTAL HEREDITARY MOTOR, HARDING TYPE VI. Identifiers: Orphanet 98920, MedGen C1858517, MONDO:0011436, OMIM 604320.

Allele frequency attached by ClinVar (database versions not stated): gnomAD 0.00001.
gnomAD v4.1: 48 of 1,614,014 alleles (0.003%); highest among the groups gnomAD compares: East Asian, 0.0045%; no homozygotes.

Submissions (3):

CeGaT Center for Human Genetics Tuebingen
Classification: Uncertain significance. Last evaluated: 2024-03-01. Review status: criteria provided, single submitter. Criteria: CeGaT Center For Human Genetics Tuebingen Variant Classification Criteria Version 2. Collection method: clinical testing. Allele origin: germline. Affected: yes. Observed: 1 variant allele.
Comment: IGHMBP2: PM2

Labcorp Genetics (formerly Invitae), Labcorp
Classification: Uncertain significance for Autosomal recessive distal spinal muscular atrophy 1; Charcot-Marie-Tooth disease axonal type 2S. Last evaluated: 2022-05-15. Review status: criteria provided, single submitter. Criteria: Invitae Variant Classification Sherloc (09022015). Collection method: clinical testing. Allele origin: germline.
Comment: This sequence change replaces aspartic acid, which is acidic and polar, with asparagine, which is neutral and polar, at codon 645 of the IGHMBP2 protein (p.Asp645Asn). The frequency data for this variant in the population databases is considered unreliable, as metrics indicate poor data quality at this position in the gnomAD database. This variant has not been reported in the literature in individuals affected with IGHMBP2-related conditions. ClinVar contains an entry for this variant (Variation ID: 245746). Algorithms developed to predict the effect of missense changes on protein structure and function are either unavailable or do not agree on the potential impact of this missense change (SIFT: "Tolerated"; PolyPhen-2: "Possibly Damaging"; Align-GVGD: "Class C0"). In summary, the available evidence is currently insufficient to determine the role of this variant in disease. Therefore, it has been classified as a Variant of Uncertain Significance.

GeneDx
Classification: Uncertain significance. Last evaluated: 2016-09-27. Review status: criteria provided, single submitter. Criteria: GeneDx Variant Classification (06012015). Collection method: clinical testing. Allele origin: germline. Affected: yes.
Comment: A variant of uncertain significance has been identified in the IGHMBP2 gene. The D645N variant has not been published as a pathogenic variant, nor has it been reported as a benign variant to our knowledge. It was not observed in approximately 6,500 individuals of European and African American ancestry in the NHLBI Exome Sequencing Project, indicating it is not a common benign variant in these populations. The D645N variant is a semi-conservative amino acid substitution, which may impact secondary protein structure as these residues differ in some properties. This substitution occurs at a position that is conserved across species and in silico analysis predicts this variant is probably damaging to the protein structure/function. However, missense variants in nearby residues have not been reported in the Human Gene Mutation Database in association with IGHMBP2-related disorder (Stenson et al., 2014). Therefore, based on the currently available information, it is unclear whether this variant is a pathogenic variant or a rare benign variant.

NM_002180.3(IGHMBP2):c.1933G>A (p.Asp645Asn)

Gene: IGHMBP2 (immunoglobulin mu DNA binding protein 2; plus strand). Cytogenetic location: 11q13.3.
Variant type: single nucleotide variant.
Coding change: c.1933G>A on transcript NM_002180.3 (MANE Select); coding-DNA position 1933, G replaced by A.
Protein change: p.Asp645Asn; replaces aspartic acid 645 with asparagine.
Molecular consequence: missense variant.
Genome position (GRCh38, 1-based): chr11:68,936,413, G>A. VCF-style: chr11-68936413-G-A. GRCh37 (hg19) VCF-style: chr11-68703881-G-A.
Other names: short protein forms D645N.
Identifiers: ClinVar variation 245746 (VCV000245746.28), dbSNP rs775138577, ClinGen allele CA6153810.